The following is an entry in ClinVar:

ClinVar aggregate classification (germline): Likely benign (0 of 4 stars; one submission).

Conditions:
ALPK2-related disorder. Also called: ALPK2-related condition.

Allele frequency attached by ClinVar (database versions not stated): ESP Exome Variant Server 0.00108; 1000 Genomes Project 30x 0.00109; gnomAD 0.00137; 1000 Genomes Project 0.00140; TOPMed 0.00168.
gnomAD v4.1: 463 of 1,614,132 alleles (0.029%); highest among the groups gnomAD compares: African/African-American, 0.42%; no homozygotes.

Submission:

PreventionGenetics, part of Exact Sciences
Classification: Likely benign for ALPK2-related condition. Last evaluated: 2019-11-11. Review status: no assertion criteria provided. Collection method: clinical testing. Allele origin: germline.
Comment: This variant is classified as likely benign based on ACMG/AMP sequence variant interpretation guidelines (Richards et al. 2015 PMID: 25741868, with internal and published modifications).

NM_052947.4(ALPK2):c.5501+7T>C

Gene: ALPK2 (alpha kinase 2; minus strand). Cytogenetic location: 18q21.31.
Variant type: single nucleotide variant.
Coding change: c.5501+7T>C on transcript NM_052947.4 (MANE Select); 7 bases into the intron after coding-DNA position 5501, T replaced by C.
Molecular consequence: intron variant.
Genome position (GRCh38, 1-based): chr18:58,529,084, A>G on the plus strand (T>C on the coding strand, the complement: ALPK2 is on the minus strand). VCF-style: chr18-58529084-A-G. GRCh37 (hg19) VCF-style: chr18-56196316-A-G.
Identifiers: ClinVar variation 3046254 (VCV003046254.2), dbSNP rs200981978, ClinGen allele CA8976493.
Genomic context (GRCh38, chr18:58,529,084, plus strand): 5'-TTTTACAACCATGTTGTGAAATAAACAAGCAACAACTGTGAAAAGTAACCAGGGAAAAAC[A>G]TCGCACCTTCTCTGCACTTGGGCTATGGACTTTGAATCTTTTGTCCAGCAGATAGTAGAA-3'